The following is an entry in ClinVar:

ClinVar aggregate classification (germline): Likely benign. Review status: criteria provided, single submitter (1 of 4 stars). 2 submissions from 2 submitters: Likely benign (1). 1 of the submissions does not count toward it. Last evaluated 2026-07-01.

Allele frequency attached by ClinVar (database versions not stated): 1000 Genomes Project 30x 0.00016; gnomAD exomes 0.00067; gnomAD 0.00069 and 0.00072; TOPMed 0.00076; ExAC 0.00081; ESP Exome Variant Server 0.00082.
gnomAD v4.1: 1,693 of 1,552,210 alleles (0.11%); highest among the groups gnomAD compares: Non-Finnish European, 0.14%; 3 homozygotes.

Submissions (2):

CeGaT Center for Human Genetics Tuebingen
Classification: Likely benign. Last evaluated: 2026-07-01. Review status: criteria provided, single submitter. Criteria: CeGaT Center For Human Genetics Tuebingen Variant Classification Criteria Version 2. Collection method: clinical testing. Allele origin: germline. Affected: yes. Observed: 1 variant allele.
Comment: NLRP5: BP4

Human Evolutionary Genetics, Institut Pasteur
No classification provided. Review status: no classification provided. Collection method: not provided. Allele origin: germline. Not counted in ClinVar's aggregate classification.
ClinVar note: Converted during submission from untested to not provided.

NM_001433705.1(NLRP5):c.637C>G (p.Gln213Glu)

Genes: NLRP5 (NLR family pyrin domain containing 5; plus strand), LOC126862935 (BRD4-independent group 4 enhancer GRCh37_chr19:56537936-56539135; plus strand). Cytogenetic location: 19q13.43.
Variant type: single nucleotide variant.
Coding change: c.637C>G on transcript NM_001433705.1 (MANE Select); coding-DNA position 637, C replaced by G.
Protein change: p.Gln213Glu; replaces glutamine 213 with glutamic acid.
Molecular consequence: missense variant.
Genome position (GRCh38, 1-based): chr19:56,027,023, C>G. VCF-style: chr19-56027023-C-G. GRCh37 (hg19) VCF-style: chr19-56538389-C-G.
Other names: NM_153447.4:c.790C>G; short protein forms Q213E.
Identifiers: ClinVar variation 103303 (VCV000103303.3), dbSNP rs199475772, ClinGen allele CA230388.
Genomic context (GRCh38, chr19:56,027,023, plus strand): 5'-GCTGAGGAGGAGGATGTACGTCGTAGTTTTGAAAACACTGCTGCTGACTGGCCGGAAATG[C>G]AAACGTTGGCTGGTGCTTTTGATTCAGACCGGTGGGGCTTCCGGCCTCGCACGGTGGTTC-3'
Protein context (NP_001420634.1, residues 203-223): ENTAADWPEM[Gln213Glu]TLAGAFDSDR